The following is an entry in ClinVar:

ClinVar aggregate classification (germline): Uncertain significance (1 of 4 stars; one submission).

Allele frequency attached by ClinVar (database versions not stated): gnomAD exomes below 0.00001; gnomAD 0.00001.

Submission:

Labcorp Genetics (formerly Invitae), Labcorp
Classification: Uncertain significance. Last evaluated: 2023-02-03. Review status: criteria provided, single submitter. Criteria: Invitae Variant Classification Sherloc (09022015). Collection method: clinical testing. Allele origin: germline.
Comment: This sequence change replaces valine, which is neutral and non-polar, with methionine, which is neutral and non-polar, at codon 647 of the GRIN2D protein (p.Val647Met). This variant is not present in population databases (gnomAD no frequency). This variant has not been reported in the literature in individuals affected with GRIN2D-related conditions. Advanced modeling of protein sequence and biophysical properties (such as structural, functional, and spatial information, amino acid conservation, physicochemical variation, residue mobility, and thermodynamic stability) performed at Invitae indicates that this missense variant is not expected to disrupt GRIN2D protein function. In summary, the available evidence is currently insufficient to determine the role of this variant in disease. Therefore, it has been classified as a Variant of Uncertain Significance.

NM_000836.4(GRIN2D):c.1939G>A (p.Val647Met)

Genes: GRIN2D (glutamate ionotropic receptor NMDA type subunit 2D; plus strand), LOC130064857 (ATAC-STARR-seq lymphoblastoid active region 14894; plus strand). Cytogenetic location: 19q13.33.
Variant type: single nucleotide variant.
Coding change: c.1939G>A on transcript NM_000836.4 (MANE Select); coding-DNA position 1939, G replaced by A.
Protein change: p.Val647Met; replaces valine 647 with methionine.
Molecular consequence: missense variant.
Genome position (GRCh38, 1-based): chr19:48,419,662, G>A. VCF-style: chr19-48419662-G-A. GRCh37 (hg19) VCF-style: chr19-48922919-G-A.
Other names: short protein forms V647M.
Identifiers: ClinVar variation 3000273 (VCV003000273.3), dbSNP rs1970993795, ClinGen allele CA406697964.